The following is an entry in ClinVar:

ClinVar aggregate classification (germline): Pathogenic (1 of 4 stars; one submission).

Conditions:
Inborn genetic diseases. Identifiers: MedGen C0950123, MeSH D030342.

Submission:

Ambry Genetics
Classification: Pathogenic for Inborn genetic diseases. Last evaluated: 2025-06-11. Review status: criteria provided, single submitter. Criteria: Ambry Variant Classification Scheme 2023. Collection method: clinical testing. Allele origin: germline.
Comment: The c.53_55delGTCins19 (p.S18Tfs*396) alteration, located in exon 1 (coding exon 1) of the NKX2-1 gene, consists of a deletion of 3 and insertion of 19 nucleotides causing a translational frameshift at position 53 with a predicted alternate stop codon after 396 amino acids. This alteration is not expected to trigger nonsense-mediated mRNA decay and results in the elongation of the protein by 42 amino acids. This frameshift impacts the last 95% of the native protein. Frameshifts are typically deleterious in nature and a significant portion of the protein is affected (Ambry internal data). This variant was not reported in population-based cohorts in the Genome Aggregation Database (gnomAD). Based on the available evidence, this alteration is classified as pathogenic.

NM_001079668.3(NKX2-1):c.143_145delinsCACTGGATGGAAAAGCTTT (p.Ser48fs)

Genes: NKX2-1 (NK2 homeobox 1; minus strand), NKX2-1-AS1 (NKX2-1 antisense RNA 1; plus strand), SFTA3 (surfactant associated 3; minus strand). Cytogenetic location: 14q13.3.
Variant type: Indel.
Coding change: c.143_145delinsCACTGGATGGAAAAGCTTT on transcript NM_001079668.3 (MANE Select); coding-DNA positions 143 to 145, GTC replaced by CACTGGATGGAAAAGCTTT.
Protein change: p.Ser48fs; shifts the reading frame from serine 48.
Molecular consequence: frameshift variant. On other transcripts: non-coding transcript variant (1).
Genome position (GRCh38, 1-based): chr14:36,519,303-36,519,305, GAC replaced by AAAGCTTTTCCATCCAGTG on the plus strand (GTC replaced by CACTGGATGGAAAAGCTTT on the coding strand, the reverse complement: NKX2-1 is on the minus strand). VCF-style: chr14-36519303-GAC-AAAGCTTTTCCATCCAGTG. GRCh37 (hg19) VCF-style: chr14-36988508-GAC-AAAGCTTTTCCATCCAGTG.
Other names: c.53_55delinsCACTGGATGGAAAAGCTTT, p.Ser18fs (NM_003317.4); short protein forms S18fs, S48fs.
Identifiers: ClinVar variation 3920024 (VCV003920024.1).